The following is an entry in ClinVar:

ClinVar aggregate classification (germline): Pathogenic. Review status: reviewed by expert panel (3 of 4 stars). 22 submissions from 21 submitters: Pathogenic (1). 21 of the submissions do not count toward it. Last evaluated 2016-04-22.

Conditions:
Inherited breast cancer and ovarian cancer.
BRCA1-related disorder. Also called: BRCA1-related condition.
Breast and/or ovarian cancer. Identifiers: MedGen CN221562.
Hereditary cancer-predisposing syndrome. Also called: Neoplastic Syndromes, Hereditary; Tumor predisposition; Hereditary neoplastic syndrome; Hereditary Cancer Syndrome. Identifiers: Orphanet 140162, MedGen C0027672, MeSH D009386, MONDO:0015356.
Hereditary breast ovarian cancer syndrome. Also called: Breast and ovarian cancer; Hereditary breast and/or ovarian cancer syndrome; Hereditary breast and ovarian cancer syndrome (HBOC); Hereditary breast and ovarian cancer; Hereditary breast and ovarian cancer syndrome; BRCA1- and BRCA2-Associated Hereditary Breast and Ovarian Cancer. Identifiers: Orphanet 145, MedGen C0677776, MeSH D061325, MONDO:0003582. Disease mechanism: loss of function.
Breast-ovarian cancer, familial, susceptibility to, 1 (BROVCA1). Also called: BRCA1 Hereditary Breast and Ovarian Cancer; OVARIAN CANCER, SUSCEPTIBILITY TO. Identifiers: Orphanet 145, MedGen C2676676, MONDO:0011450, OMIM 604370. Disease mechanism: loss of function.

gnomAD v4.1: 1 of 1,613,538 alleles (0.000062%); highest among the groups gnomAD compares: Non-Finnish European, 0.000085%; no homozygotes.

Submissions 1 to 14 of 22:

Evidence-based Network for the Interpretation of Germline Mutant Alleles (ENIGMA)
Classification: Pathogenic for Breast-ovarian cancer, familial, susceptibility to, 1. Last evaluated: 2016-04-22. Review status: reviewed by expert panel. Criteria: ENIGMA BRCA1/2 Classification Criteria (2015). Collection method: curation. Allele origin: germline.
Comment: Variant allele predicted to encode a truncated non-functional protein.

Genetics Laboratory, Great Ormond Street Hospital NHS Foundation Trust, North Thames Genomic Laboratory Hub
Classification: Pathogenic for Inherited breast cancer and ovarian cancer. Last evaluated: 2026-04-30. Review status: criteria provided, single submitter. Criteria: CanVIG BRCA Gene Specific V1.22. Collection method: clinical testing. Allele origin: germline. Affected: yes. Not counted in ClinVar's aggregate classification.
Comment: PS4_moderate, PM2_supporting, PVS1_very-strong, PM5_strong

Ambry Genetics
Classification: Pathogenic for Hereditary cancer-predisposing syndrome. Last evaluated: 2025-09-17. Review status: criteria provided, single submitter. Criteria: Ambry Variant Classification Scheme 2023. Collection method: clinical testing. Allele origin: germline. Not counted in ClinVar's aggregate classification.
Comment: The c.2389G>T (p.E797*) alteration, located in exon 10 (coding exon 9) of the BRCA1 gene, consists of a G to T substitution at nucleotide position 2389. This changes the amino acid from a glutamic acid (E) to a stop codon at amino acid position 797. This alteration is expected to result in loss of function by premature protein truncation or nonsense-mediated mRNA decay. Based on data from gnomAD, the T allele has an overall frequency of <0.001% (1/250564) total alleles studied. The highest observed frequency was 0.001% (1/113210) of European (non-Finnish) alleles. This mutation has been reported in numerous individuals with breast and/or ovarian cancer (Yang, 2011; Walker, 2017; Rebbeck, 2018). Based on the available evidence, this alteration is classified as pathogenic.

Quest Diagnostics Nichols Institute San Juan Capistrano
Classification: Pathogenic. Last evaluated: 2025-08-26. Review status: criteria provided, single submitter. Criteria: Quest Diagnostics criteria. Collection method: clinical testing. Allele origin: unknown. Not counted in ClinVar's aggregate classification.
Comment: The BRCA1 c.2389G>T (p.Glu797*) variant causes the premature termination of BRCA1 protein synthesis. This variant has been reported in the published literature in individuals with breast and/or ovarian cancer (PMIDs: 33471991 (2021), see also LOVD, 32885271 (2021), 26689913 (2015)). Of note, this variant has been identified in at least one additional individual with ovarian cancer, with multiple studies citing The Cancer Genome Atlas cohort (PMIDs: 29625052 (2018), 28831036 (2017), 21990299 (2011)). This variant has also been reported to co-occur with a pathogenic BRCA2 variant in one breast cancer patient (PMID: 9585617 (1998)). The frequency of this variant in the general population (Genome Aggregation Database) is consistent with pathogenicity. Based on the available information, this variant is classified as pathogenic.

Labcorp Genetics (formerly Invitae), Labcorp
Classification: Pathogenic for Hereditary breast ovarian cancer syndrome. Last evaluated: 2025-07-06. Review status: criteria provided, single submitter. Criteria: Invitae Variant Classification Sherloc (09022015). Collection method: clinical testing. Allele origin: germline. Not counted in ClinVar's aggregate classification.
Comment: This sequence change creates a premature translational stop signal (p.Glu797*) in the BRCA1 gene. It is expected to result in an absent or disrupted protein product. Loss-of-function variants in BRCA1 are known to be pathogenic (PMID: 20104584). This variant is not present in population databases (gnomAD no frequency). This premature translational stop signal has been observed in individual(s) with breast cancer or ovarian cancer (PMID: 9585617, 21990299, 26681312, 27836010, 28831036). This variant is also known as G2508T. ClinVar contains an entry for this variant (Variation ID: 17682). For these reasons, this variant has been classified as Pathogenic.

NHS Central & South Genomic Laboratory Hub
Classification: Pathogenic for Inherited breast cancer and ovarian cancer. Last evaluated: 2025-04-09. Review status: criteria provided, single submitter. Criteria: ACMG Guidelines, 2015. Collection method: clinical testing. Allele origin: germline. Affected: yes. Not counted in ClinVar's aggregate classification.

Cambridge Genomics Laboratory, East Genomic Laboratory Hub, NHS Genomic Medicine Service
Classification: Pathogenic for Inherited breast cancer and ovarian cancer. Last evaluated: 2025-02-07. Review status: criteria provided, single submitter. Criteria: ACGS Best Practice Guidelines for Variant Classification in Rare Disease 2020. Collection method: clinical testing. Allele origin: germline. Affected: yes. Not counted in ClinVar's aggregate classification.
Comment: PVS1,PS4,PM2,PM5_Strong

Baylor Genetics
Classification: Pathogenic for Breast-ovarian cancer, familial, susceptibility to, 1. Last evaluated: 2023-02-10. Review status: criteria provided, single submitter. Criteria: ACMG Guidelines, 2015. Collection method: clinical testing. Allele origin: unknown. Not counted in ClinVar's aggregate classification.

CHEO Genetics Diagnostic Laboratory, Children's Hospital of Eastern Ontario
Classification: Pathogenic for Breast and/or ovarian cancer. Last evaluated: 2022-02-03. Review status: criteria provided, single submitter. Criteria: ACMG Guidelines, 2015. Collection method: clinical testing. Allele origin: germline. Study: Canadian Open Genetics Repository. Not counted in ClinVar's aggregate classification.

Sema4
Classification: Pathogenic for Hereditary cancer-predisposing syndrome. Last evaluated: 2021-03-15. Review status: criteria provided, single submitter. Criteria: Sema4 Curation Guidelines. Collection method: curation. Allele origin: germline. Not counted in ClinVar's aggregate classification.
Comment: The BRCA1 c.2389G>T (p.E797X) variant has been reported in heterozygosity in numerous individuals with breast and ovarian cancer (PMID: 9585617, 21990299, 26689913, 27836010, 28831036, 29446198). It is also known as c.2508G>T in the literature. This nonsense variant creates a premature stop codon at residue 797 of the BRCA1 protein. Loss of function variants in BRCA1 are known to be pathogenic (PMID: 29446198). This variant was observed in 1/113210 chromosomes in the Non-Finnish European population, according to the Genome Aggregation Database (PMID: 32461654). This variant has been reported in ClinVar, and has been classified as pathogenic by an expert panel (Variation ID: 17682). Based on the current evidence available, this variant is interpreted as pathogenic.

Blueprint Genetics
Classification: Pathogenic for BRCA1-related disorders. Last evaluated: 2020-10-20. Review status: criteria provided, single submitter. Criteria: ACMG Guidelines, 2015. Collection method: clinical testing. Allele origin: germline. Affected: yes. Observed: 1 variant allele. Not counted in ClinVar's aggregate classification.

Color Diagnostics, LLC DBA Color Health
Classification: Pathogenic for Hereditary cancer-predisposing syndrome. Last evaluated: 2020-01-15. Review status: criteria provided, single submitter. Criteria: ACMG Guidelines, 2015. Collection method: clinical testing. Allele origin: germline. Not counted in ClinVar's aggregate classification.
Comment: This variant changes 1 nucleotide in exon 10 of the BRCA1 gene, creating a premature translation stop signal. This variant is expected to result in an absent or non-functional protein product. This variant has been identified in 1/250564 chromosomes in the general population by the Genome Aggregation Database (gnomAD). Loss of BRCA1 function is a known mechanism of disease. Based on the available evidence, this variant is classified as Pathogenic.

CHEO Genetics Diagnostic Laboratory, Children's Hospital of Eastern Ontario
Classification: Pathogenic for Hereditary breast ovarian cancer syndrome. Last evaluated: 2016-12-23. Review status: criteria provided, single submitter. Criteria: ACMG Guidelines, 2015. Collection method: clinical testing. Allele origin: germline. Study: The Canadian Open Genetics Repository (COGR). Not counted in ClinVar's aggregate classification.

Consortium of Investigators of Modifiers of BRCA1/2 (CIMBA), c/o University of Cambridge
Classification: Pathogenic for Breast-ovarian cancer, familial, susceptibility to, 1. Last evaluated: 2015-10-02. Review status: criteria provided, single submitter. Criteria: CIMBA Mutation Classification guidelines May 2016. Collection method: clinical testing. Allele origin: germline. Not counted in ClinVar's aggregate classification.

NM_007294.4(BRCA1):c.2389G>T (p.Glu797Ter)

Gene: BRCA1 (BRCA1 DNA repair associated; minus strand). Cytogenetic location: 17q21.31.
Variant type: single nucleotide variant.
Coding change: c.2389G>T on transcript NM_007294.4 (MANE Select); coding-DNA position 2389, G replaced by T.
Protein change: p.Glu797Ter; replaces glutamic acid 797 with a stop codon.
Molecular consequence: nonsense. On other transcripts: intron variant (137).
Genome position (GRCh38, 1-based): chr17:43,093,142, C>A on the plus strand (G>T on the coding strand, the complement: BRCA1 is on the minus strand). VCF-style: chr17-43093142-C-A. GRCh37 (hg19) VCF-style: chr17-41245159-C-A.
Other names: p.E797*:GAA>TAA; 2508G-T; 2508G>T; c.2389G>T (U14680.1); c.2389G>T, p.Glu797Ter (NM_001407593.1, NM_001407594.1, NM_001407596.1 and 30 more transcripts); c.2386G>T, p.Glu796Ter (NM_001407610.1, NM_001407627.1, NM_001407628.1 and 22 more transcripts); c.2380G>T, p.Glu794Ter (NM_001407646.1, NM_001407647.1); c.2266G>T, p.Glu756Ter (NM_001407648.1, NM_001407664.1, NM_001407665.1 and 19 more transcripts); and 45 more; short protein forms E797*, E750*, E685*, E729*, E749*, E629*, E686*, E708*.
Identifiers: ClinVar variation 17682 (VCV000017682.36), dbSNP rs62625306, ClinGen allele CA001588.